The following is an entry in ClinVar:

NM_004924.6(ACTN4):c.813G>A (p.Ala271=)

Gene: ACTN4 (actinin alpha 4; plus strand). Cytogenetic location: 19q13.2.
Variant type: single nucleotide variant.
Coding change: c.813G>A on transcript NM_004924.6 (MANE Select); coding-DNA position 813, G replaced by A.
Protein change: p.Ala271=; no amino-acid change (alanine 271 retained).
Molecular consequence: synonymous variant. On other transcripts: intron variant (2).
Genome position (GRCh38, 1-based): chr19:38,710,336, G>A. VCF-style: chr19-38710336-G-A. GRCh37 (hg19) VCF-style: chr19-39200976-G-A.
Other names: c.733+860G>A (NM_001411143.1, NM_001322033.2).
Identifiers: ClinVar variation 3036408 (VCV003036408.2), dbSNP rs147795092, ClinGen allele CA9417398.

ClinVar aggregate classification (germline): Likely benign (0 of 4 stars; one submission).

Conditions:
ACTN4-related disorder. Also called: ACTN4-related condition.

Allele frequency attached by ClinVar (database versions not stated): ESP Exome Variant Server 0.00008.

Submission:

PreventionGenetics, part of Exact Sciences
Classification: Likely benign for ACTN4-related condition. Last evaluated: 2021-09-09. Review status: no assertion criteria provided. Collection method: clinical testing. Allele origin: germline.
Comment: This variant is classified as likely benign based on ACMG/AMP sequence variant interpretation guidelines (Richards et al. 2015 PMID: 25741868, with internal and published modifications).